The following is an entry in ClinVar:

ClinVar aggregate classification (germline): Pathogenic/Likely pathogenic. Review status: criteria provided, multiple submitters, no conflicts (2 of 4 stars). 3 submissions from 3 submitters: Pathogenic (1); Likely pathogenic (1). 1 of the submissions does not count toward it. Last evaluated 2024-10-17.

Conditions:
Osteogenesis imperfecta type I (OI1). Also called: OI, TYPE I; OSTEOGENESIS IMPERFECTA TARDA; OSTEOGENESIS IMPERFECTA WITH BLUE SCLERAE; Osteogenesis imperfecta type 1; Classic Non-deforming Osteogenesis Imperfecta with Blue Sclerae; Lobstein's Disease. Identifiers: Orphanet 216796, Orphanet 666, MedGen C0023931, MONDO:0008146, OMIM 166200. Disease mechanism: loss of function.
Osteogenesis imperfecta with normal sclerae, dominant form (OI4). Also called: OSTEOGENESIS IMPERFECTA WITH NORMAL SCLERAE; Osteogenesis imperfecta type 4; Common Variable Osteogenesis Imperfecta with Normal Sclerae; OSTEOGENESIS IMPERFECTA, TYPE IV, WITH DENTINOGENESIS IMPERFECTA; Osteogenesis Imperfecta Type IV. Identifiers: Orphanet 216820, Orphanet 666, MedGen C0268363, MONDO:0008148, OMIM 166220.

Submissions (3):

Labcorp Genetics (formerly Invitae), Labcorp
Classification: Pathogenic for Osteogenesis imperfecta type I. Last evaluated: 2024-10-17. Review status: criteria provided, single submitter. Criteria: Invitae Variant Classification Sherloc (09022015). Collection method: clinical testing. Allele origin: germline.
Comment: This sequence change affects an acceptor splice site in intron 14 of the COL1A1 gene. It is expected to disrupt RNA splicing. Variants that disrupt the donor or acceptor splice site typically lead to a loss of protein function (PMID: 16199547), and loss-of-function variants in COL1A1 are known to be pathogenic (PMID: 7942841, 9295084, 9443882). This variant is not present in population databases (gnomAD no frequency). Disruption of this splice site has been observed in individuals with osteogenesis imperfecta (PMID: 17078022). ClinVar contains an entry for this variant (Variation ID: 1072588). Algorithms developed to predict the effect of sequence changes on RNA splicing suggest that this variant may disrupt the consensus splice site. For these reasons, this variant has been classified as Pathogenic.

Greenwood Genetic Center Diagnostic Laboratories, Greenwood Genetic Center
Classification: Likely pathogenic for Osteogenesis imperfecta type I. Last evaluated: 2021-12-28. Review status: criteria provided, single submitter. Criteria: ACMG Guidelines, 2015. Collection method: clinical testing. Allele origin: germline. Affected: yes.
Comment: PM1, PM2, PM4, PS4_Moderate

Autoinflammatory diseases unit, CHU de Montpellier
Classification: Pathogenic for Osteogenesis imperfecta with normal sclerae, dominant form. Last evaluated: 2024-10-01. Review status: no assertion criteria provided. Collection method: clinical testing. Allele origin: unknown. Affected: yes. Not counted in ClinVar's aggregate classification.

Literature cited by the submitters: PubMed 16199547 (cited by Labcorp Genetics (formerly Invitae), Labcorp); PubMed 7942841 (cited by Labcorp Genetics (formerly Invitae), Labcorp); PubMed 9295084 (cited by Labcorp Genetics (formerly Invitae), Labcorp); PubMed 9443882 (cited by Labcorp Genetics (formerly Invitae), Labcorp); PubMed 17078022 (cited by Labcorp Genetics (formerly Invitae), Labcorp).

NM_000088.4(COL1A1):c.958-1G>A

Gene: COL1A1 (collagen type I alpha 1 chain; minus strand). Cytogenetic location: 17q21.33.
Variant type: single nucleotide variant.
Coding change: c.958-1G>A on transcript NM_000088.4 (MANE Select); the canonical splice acceptor site of the intron before coding-DNA position 958, G replaced by A.
Molecular consequence: splice acceptor variant.
Genome position (GRCh38, 1-based): chr17:50,196,200, C>T on the plus strand (G>A on the coding strand, the complement: COL1A1 is on the minus strand). VCF-style: chr17-50196200-C-T. GRCh37 (hg19) VCF-style: chr17-48273561-C-T.
Identifiers: ClinVar variation 1072588 (VCV001072588.12), dbSNP rs72645352, ClinGen allele CA291547148.
Genomic context (GRCh38, chr17:50,196,200, plus strand): 5'-ACAGGCCACACTCACAGGGGGCCCGGCAGCACCAGTAGCACCATCATTTCCACGAGCACC[C>T]TGCAGGAGAGAGGGGAAGCCCCGTTAAGTCCACTGAGCACTGGCCAGTCCCTAGAGTTCC-3'